The following is an entry in ClinVar:

ClinVar aggregate classification (germline): Pathogenic (1 of 4 stars; one submission).

Conditions:
Severe myoclonic epilepsy in infancy (DRVT). Also called: Epileptic encephalopathy, early infantile, 6 (Dravet syndrome); SEVERE MYOCLONIC EPILEPSY OF INFANCY; DEVELOPMENTAL AND EPILEPTIC ENCEPHALOPATHY 6A; Severe Myoclonic Epilepsy in Infancy (SMEI); Dravet syndrome. Identifiers: Orphanet 33069, MedGen C0751122, MONDO:0100135, OMIM 607208.

Submission:

Center for Bioinformatics, Peking University
Classification: Pathogenic for Dravet syndrome. Last evaluated: 2014-12-20. Review status: criteria provided, single submitter. Criteria: Xu et al. (Hum Mutat. 2015). Collection method: research. Allele origin: de novo. Affected: yes. Observed: 1 variant allele. Study: University Clinical Cooperation “985 Project” PKU-2014-1-1.
Comment: Dravet syndrome (DS) probands were recruited from the outpatient and inpatient child neurology units of Peking University First Hospital from 2005 till present. The study was approved by the Ethics Committee of Peking University First Hospital and the Institutional Review Board at Peking University. Participants or their parents provided written informed consent before enrollment. We collected a total of 267 mutations from 255 families with probands diagnosed with DS in China. All probands fulfilled the clinical diagnostic criteria.

NM_001165963.4(SCN1A):c.2903G>T (p.Cys968Phe)

Gene: SCN1A (sodium voltage-gated channel alpha subunit 1; minus strand). Cytogenetic location: 2q24.3.
Variant type: single nucleotide variant.
Coding change: c.2903G>T on transcript NM_001165963.4 (MANE Select); coding-DNA position 2903, G replaced by T.
Protein change: p.Cys968Phe; replaces cysteine 968 with phenylalanine.
Molecular consequence: missense variant. On other transcripts: non-coding transcript variant (1).
Genome position (GRCh38, 1-based): chr2:166,037,819, C>A on the plus strand (G>T on the coding strand, the complement: SCN1A is on the minus strand). VCF-style: chr2-166037819-C-A. GRCh37 (hg19) VCF-style: chr2-166894329-C-A.
Other names: c.2819G>T, p.Cys940Phe (NM_001165964.3, NM_001353957.2, NM_001353958.2); c.2903G>T, p.Cys968Phe (NM_001202435.3, NM_001353948.2); c.2870G>T, p.Cys957Phe (NM_001353949.2, NM_001353950.2, NM_001353951.2 and 2 more transcripts); c.2867G>T, p.Cys956Phe (NM_001353954.2, NM_001353955.2); c.2816G>T, p.Cys939Phe (NM_001353960.2); c.461G>T, p.Cys154Phe (NM_001353961.2); short protein forms C957F, C968F, C154F, C956F, C940F, C939F.
Identifiers: ClinVar variation 189992 (VCV000189992.1), dbSNP rs794726823, ClinGen allele CA303499.
Genomic context (GRCh38, chr2:166,037,819, plus strand): 5'-CTTAAGTGGGTACATACCACTAGGTTTCCAATCACCATGACCATCATGAAGACAGTAAGG[C>A]ACATGGCTTGACCAGCAACCTCCATACAGTCCCACATGGTCTCTATCCACTCCCCACACA-3'
Protein context (NP_001159435.1, residues 958-978): DCMEVAGQAM[Cys968Phe]LTVFMMVMVI